The following is an entry in ClinVar:

ClinVar aggregate classification (germline): Uncertain significance (1 of 4 stars; one submission).

Conditions:
Hereditary nonpolyposis colorectal neoplasms. Identifiers: MedGen C0009405, MeSH D003123.

Submission:

Labcorp Genetics (formerly Invitae), Labcorp
Classification: Uncertain significance for Hereditary nonpolyposis colorectal neoplasms. Last evaluated: 2021-04-20. Review status: criteria provided, single submitter. Criteria: Invitae Variant Classification Sherloc (09022015). Collection method: clinical testing. Allele origin: germline.
Comment: This variant is not present in population databases (ExAC no frequency). In summary, the available evidence is currently insufficient to determine the role of this variant in disease. Therefore, it has been classified as a Variant of Uncertain Significance. Advanced modeling of protein sequence and biophysical properties (such as structural, functional, and spatial information, amino acid conservation, physicochemical variation, residue mobility, and thermodynamic stability) performed at Invitae indicates that this missense variant is not expected to disrupt MSH6 protein function. This variant has not been reported in the literature in individuals with MSH6-related conditions. This sequence change replaces aspartic acid with asparagine at codon 284 of the MSH6 protein (p.Asp284Asn). The aspartic acid residue is weakly conserved and there is a small physicochemical difference between aspartic acid and asparagine.

NM_000179.3(MSH6):c.850G>A (p.Asp284Asn)

Gene: MSH6 (mutS homolog 6; plus strand). Cytogenetic location: 2p16.3.
Variant type: single nucleotide variant.
Coding change: c.850G>A on transcript NM_000179.3 (MANE Select); coding-DNA position 850, G replaced by A.
Protein change: p.Asp284Asn; replaces aspartic acid 284 with asparagine.
Molecular consequence: missense variant. On other transcripts: 5 prime UTR variant (2).
Genome position (GRCh38, 1-based): chr2:47,798,833, G>A. VCF-style: chr2-47798833-G-A. GRCh37 (hg19) VCF-style: chr2-48025972-G-A.
Other names: c.460G>A, p.Asp154Asn (NM_001281492.2); c.-57G>A (NM_001281493.2, NM_001281494.2); short protein forms D154N, D284N.
Identifiers: ClinVar variation 1346860 (VCV001346860.8), dbSNP rs1553412286, ClinGen allele CA346740548.
Genomic context (GRCh38, chr2:47,798,833, plus strand): 5'-GAATTTAAGCCAGACACTAAGGAGGAAGGAAGCAGTGATGAAATAAGCAGTGGAGTGGGG[G>A]ATAGTGAGAGTGAAGGCCTGAACAGCCCTGTCAAAGTTGCTCGAAAGCGGAAGAGAATGG-3'
Protein context (NP_000170.1, residues 274-294): SSDEISSGVG[Asp284Asn]SESEGLNSPV